The following is an entry in ClinVar:

ClinVar aggregate classification (germline): Pathogenic (1 of 4 stars; one submission).

Conditions:
Telangiectasia, hereditary hemorrhagic, type 2 (HHT2). Also called: ACVRL1-Related Hereditary Hemorrhagic Telangiectasia; Telangiectasia, hereditary hemorrhagic, type II. Identifiers: Orphanet 774, MedGen C1838163, MONDO:0010880, OMIM 600376. Disease mechanism: loss of function.

Submission:

Labcorp Genetics (formerly Invitae), Labcorp
Classification: Pathogenic for Telangiectasia, hereditary hemorrhagic, type 2. Last evaluated: 2023-03-29. Review status: criteria provided, single submitter. Criteria: Invitae Variant Classification Sherloc (09022015). Collection method: clinical testing. Allele origin: germline.
Comment: For these reasons, this variant has been classified as Pathogenic. This variant disrupts a region of the ACVRL1 protein in which other variant(s) (p.Ala352Asp) have been determined to be pathogenic (PMID: 16690726, 19357124). This suggests that this is a clinically significant region of the protein, and that variants that disrupt it are likely to be disease-causing. A similar copy number variant has been observed in individual(s) with clinical features of hereditary hemorrhagic telangiectasia (PMID: 21158752). This variant is a gross deletion of the genomic region encompassing exon(s) 8 of the ACVRL1 gene. This variant would be expected to be in-frame, preserving the integrity of the reading frame.

Literature cited by the submitters: PubMed 16690726; PubMed 19357124; PubMed 21158752.

NC_000012.11:g.(?_52309800)_(52310037_?)del

Gene: ACVRL1 (activin A receptor like type 1; plus strand). Cytogenetic location: 12q13.13.
Variant type: Deletion.
Identifiers: ClinVar variation 2422145 (VCV002422145.4).